The following is an entry in ClinVar:

ClinVar aggregate classification (germline): Uncertain significance (1 of 4 stars; one submission).

Submission:

GeneDx
Classification: Uncertain significance. Last evaluated: 2019-09-05. Review status: criteria provided, single submitter. Criteria: GeneDx Variant Classification Process June 2021. Collection method: clinical testing. Allele origin: germline. Affected: yes.
Comment: Not observed in large population cohorts (Lek et al., 2016); In silico analysis, which includes protein predictors and evolutionary conservation, supports that this variant does not alter protein structure/function; Has not been previously published as pathogenic or benign to our knowledge

NM_001367624.2(ZNF469):c.11722G>A (p.Gly3908Ser)

Gene: ZNF469 (zinc finger protein 469; plus strand). Cytogenetic location: 16q24.2.
Variant type: single nucleotide variant.
Coding change: c.11722G>A on transcript NM_001367624.2 (MANE Select); coding-DNA position 11722, G replaced by A.
Protein change: p.Gly3908Ser; replaces glycine 3908 with serine.
Molecular consequence: missense variant.
Genome position (GRCh38, 1-based): chr16:88,439,192, G>A. VCF-style: chr16-88439192-G-A. GRCh37 (hg19) VCF-style: chr16-88505600-G-A.
Other names: NM_001127464.1:c.11638G>A; short protein forms G3908S.
Identifiers: ClinVar variation 1312115 (VCV001312115.2), dbSNP rs2142318324, ClinGen allele CA397131084.